The following is an entry in ClinVar:

ClinVar aggregate classification (germline): Uncertain significance (1 of 4 stars; one submission).

Submission:

GeneDx
Classification: Uncertain significance. Last evaluated: 2023-01-03. Review status: criteria provided, single submitter. Criteria: GeneDx Variant Classification Process June 2021. Collection method: clinical testing. Allele origin: germline. Affected: yes.
Comment: Not observed at significant frequency in large population cohorts (gnomAD); In silico analysis supports that this missense variant does not alter protein structure/function; Has not been previously published as pathogenic or benign to our knowledge

NM_194454.3(KRIT1):c.1327A>T (p.Thr443Ser)

Gene: KRIT1 (KRIT1 ankyrin repeat containing; minus strand). Cytogenetic location: 7q21.2.
Variant type: single nucleotide variant.
Coding change: c.1327A>T on transcript NM_194454.3 (MANE Select); coding-DNA position 1327, A replaced by T.
Protein change: p.Thr443Ser; replaces threonine 443 with serine.
Molecular consequence: missense variant.
Genome position (GRCh38, 1-based): chr7:92,222,906, T>A on the plus strand (A>T on the coding strand, the complement: KRIT1 is on the minus strand). VCF-style: chr7-92222906-T-A. GRCh37 (hg19) VCF-style: chr7-91852220-T-A.
Other names: c.1183A>T, p.Thr395Ser (NM_001013406.2, NM_001350669.1, NM_001350670.1); c.613A>T, p.Thr205Ser (NM_001350671.1); c.1327A>T, p.Thr443Ser (NM_001350672.1, NM_001350673.1, NM_001350674.1 and 26 more transcripts); short protein forms T205S, T395S, T443S.
Identifiers: ClinVar variation 2507377 (VCV002507377.1), dbSNP rs2535832164, ClinGen allele CA368147558.